The following is an entry in ClinVar:

NM_001080467.3(MYO5B):c.4120A>G (p.Lys1374Glu)

Gene: MYO5B (myosin VB; minus strand). Cytogenetic location: 18q21.1.
Variant type: single nucleotide variant.
Coding change: c.4120A>G on transcript NM_001080467.3 (MANE Select); coding-DNA position 4120, A replaced by G.
Protein change: p.Lys1374Glu; replaces lysine 1374 with glutamic acid.
Molecular consequence: missense variant.
Genome position (GRCh38, 1-based): chr18:49,853,550, T>C on the plus strand (A>G on the coding strand, the complement: MYO5B is on the minus strand). VCF-style: chr18-49853550-T-C. GRCh37 (hg19) VCF-style: chr18-47379920-T-C.
Other names: short protein forms K1374E.
Identifiers: ClinVar variation 4988422 (VCV004988422.1).

ClinVar aggregate classification (germline): Uncertain significance (1 of 4 stars; one submission).

Conditions:
MYO5B-related disorder. Also called: MYO5B-related condition.

Submission:

PreventionGenetics, part of Exact Sciences
Classification: Uncertain significance for MYO5B-related condition. Last evaluated: 2024-10-16. Review status: criteria provided, single submitter. Criteria: ACMG Guidelines, 2015. Collection method: clinical testing. Allele origin: germline.
Comment: The MYO5B c.4120A>G variant is predicted to result in the amino acid substitution p.Lys1374Glu. To our knowledge, this variant has not been reported in the literature or in a large population database (gnomAD), indicating this variant is rare. At this time, the clinical significance of this variant is uncertain due to the absence of conclusive functional and genetic evidence.